The following is an entry in ClinVar:

ClinVar aggregate classification (germline): Pathogenic/Likely pathogenic. Review status: criteria provided, multiple submitters, no conflicts (2 of 4 stars). 2 submissions from 2 submitters: Pathogenic (1); Likely pathogenic (1). Last evaluated 2025-11-01.

Conditions:
VHL-related disorder. Also called: VHL-related condition.

Submissions (2):

CeGaT Center for Human Genetics Tuebingen
Classification: Pathogenic. Last evaluated: 2025-11-01. Review status: criteria provided, single submitter. Criteria: CeGaT Center For Human Genetics Tuebingen Variant Classification Criteria Version 2. Collection method: clinical testing. Allele origin: germline. Affected: yes. Observed: 1 variant allele.
Comment: VHL: PP4:Strong, PVS1:Strong, PM2

Blueprint Genetics
Classification: Likely pathogenic for VHL-related disorders. Last evaluated: 2023-04-03. Review status: criteria provided, single submitter. Criteria: ACMG Guidelines, 2015. Collection method: clinical testing. Allele origin: germline. Affected: yes. Observed: 1 variant allele.

NM_000551.4(VHL):c.356del (p.Phe119fs)

Genes: VHL (von Hippel-Lindau tumor suppressor; plus strand), LOC107303340 (3p25 von Hippel-Lindau tumor suppressor, E3 ubiquitin protein ligase Alu-mediated recombination region; plus strand). Cytogenetic location: 3p25.3.
Variant type: Deletion.
Coding change: c.356del on transcript NM_000551.4 (MANE Select); coding-DNA position 356, one base deleted (T; older notation c.356delT).
Protein change: p.Phe119fs; shifts the reading frame from phenylalanine 119.
Molecular consequence: frameshift variant. On other transcripts: non-coding transcript variant (1), intron variant (2).
Genome position (GRCh38, 1-based): chr3:10,146,529, T deleted; the last of 2 consecutive T bases (chr3:10,146,528-10,146,529); deleting either gives the same sequence. VCF-style (leftmost placement, unchanged base first): chr3-10146527-CT-C. GRCh37 (hg19) VCF-style: chr3-10188211-CT-C.
Other names: c.*18-3258del (NM_001354723.2); c.341-3258del (NM_198156.3); short protein forms F119fs.
Identifiers: ClinVar variation 4535318 (VCV004535318.7).